The following is an entry in ClinVar:

NM_001164508.2(NEB):c.18900T>A (p.Tyr6300Ter)

Gene: NEB (nebulin; minus strand). Cytogenetic location: 2q23.3.
Variant type: single nucleotide variant.
Coding change: c.18900T>A on transcript NM_001164508.2 (MANE Select); coding-DNA position 18900, T replaced by A.
Protein change: p.Tyr6300Ter; replaces tyrosine 6300 with a stop codon.
Molecular consequence: nonsense.
Genome position (GRCh38, 1-based): chr2:151,562,206, A>T on the plus strand (T>A on the coding strand, the complement: NEB is on the minus strand). VCF-style: chr2-151562206-A-T. GRCh37 (hg19) VCF-style: chr2-152418720-A-T.
Other names: c.18900T>A, p.Tyr6300Ter (NM_001164507.2, NM_001271208.2); c.13797T>A, p.Tyr4599Ter (NM_004543.5); short protein forms Y4599*, Y6300*.
Identifiers: ClinVar variation 1726917 (VCV001726917.2), dbSNP rs1393913548, ClinGen allele CA348797170.

ClinVar aggregate classification (germline): Likely pathogenic (1 of 4 stars; one submission).

Conditions:
Nemaline myopathy 2 (NEM2). Also called: Nemaline myopathy 2, autosomal recessive. Identifiers: MedGen C1850569, MONDO:0009725, OMIM 256030.

Submission:

Myriad Genetics, Inc.
Classification: Likely pathogenic for Nemaline myopathy 2. Last evaluated: 2022-01-02. Review status: criteria provided, single submitter. Criteria: Myriad Women's Health Autosomal Recessive and X-Linked Classification Criteria (2021). Collection method: clinical testing. Allele origin: unknown.
Comment: NM_001271208.1(NEB):c.18900T>A(Y6300*) is expected to be pathogenic in the context of NEB-related nemaline myopathy. This variant is predicted to lead to an abnormal or absent protein product due to the creation of a premature termination codon in NEB, a gene where loss-of-function variants are known to be pathogenic. Please note: this variant was assessed in the context of healthy population screening.